The following is an entry in ClinVar:

NM_003482.4(KMT2D):c.7195C>T (p.Pro2399Ser)

Gene: KMT2D (lysine methyltransferase 2D; minus strand). Cytogenetic location: 12q13.12.
Variant type: single nucleotide variant.
Coding change: c.7195C>T on transcript NM_003482.4 (MANE Select); coding-DNA position 7195, C replaced by T.
Protein change: p.Pro2399Ser; replaces proline 2399 with serine.
Molecular consequence: missense variant.
Genome position (GRCh38, 1-based): chr12:49,040,575, G>A on the plus strand (C>T on the coding strand, the complement: KMT2D is on the minus strand). VCF-style: chr12-49040575-G-A. GRCh37 (hg19) VCF-style: chr12-49434358-G-A.
Other names: short protein forms P2399S.
Identifiers: ClinVar variation 2003280 (VCV002003280.4), dbSNP rs1167621447, ClinGen allele CA384748188.

ClinVar aggregate classification (germline): Uncertain significance (1 of 4 stars; one submission).

Conditions:
Kabuki syndrome. Also called: Kabuki make-up syndrome; NIIKAWA-KUROKI SYNDROME. Identifiers: Orphanet 2322, MedGen C0796004, MONDO:0016512.

Submission:

Labcorp Genetics (formerly Invitae), Labcorp
Classification: Uncertain significance for Kabuki syndrome. Last evaluated: 2022-06-08. Review status: criteria provided, single submitter. Criteria: Invitae Variant Classification Sherloc (09022015). Collection method: clinical testing. Allele origin: germline.
Comment: In summary, the available evidence is currently insufficient to determine the role of this variant in disease. Therefore, it has been classified as a Variant of Uncertain Significance. Advanced modeling of protein sequence and biophysical properties (such as structural, functional, and spatial information, amino acid conservation, physicochemical variation, residue mobility, and thermodynamic stability) performed at Invitae indicates that this missense variant is not expected to disrupt KMT2D protein function. This variant has not been reported in the literature in individuals affected with KMT2D-related conditions. This variant is not present in population databases (gnomAD no frequency). This sequence change replaces proline, which is neutral and non-polar, with serine, which is neutral and polar, at codon 2399 of the KMT2D protein (p.Pro2399Ser).